The following is an entry in ClinVar:

ClinVar aggregate classification (germline): Conflicting classifications of pathogenicity. Review status: criteria provided, conflicting classifications (1 of 4 stars). 5 submissions from 5 submitters: Uncertain significance (3); Likely benign (1). 1 of the submissions does not count toward it. Last evaluated 2026-01-25.

Conditions:
COL11A2-related disorder. Also called: COL11A2-related condition; COL11A2-related disorders.
Connective tissue disorder. Also called: Connective tissue disease. Identifiers: MedGen C0009782, MONDO:0003900.
Inborn genetic diseases. Identifiers: MedGen C0950123, MeSH D030342.

Allele frequency attached by ClinVar (database versions not stated): TOPMed 0.00002.
gnomAD v4.1: 48 of 1,612,610 alleles (0.003%); highest among the groups gnomAD compares: Admixed American, 0.022%; no homozygotes.

Submissions (5):

Labcorp Genetics (formerly Invitae), Labcorp
Classification: Likely benign. Last evaluated: 2026-01-25. Review status: criteria provided, single submitter. Criteria: Invitae Variant Classification Sherloc (09022015). Collection method: clinical testing. Allele origin: germline.

GeneDx
Classification: Uncertain significance. Last evaluated: 2025-10-23. Review status: criteria provided, single submitter. Criteria: GeneDx Variant Classification Process June 2021. Collection method: clinical testing. Allele origin: germline. Affected: yes.
Comment: In silico analysis supports that this missense variant has a deleterious effect on protein structure/function; Has not been previously published as pathogenic or benign to our knowledge

Ambry Genetics
Classification: Uncertain significance for Inborn genetic diseases. Last evaluated: 2025-04-13. Review status: criteria provided, single submitter. Criteria: Ambry Variant Classification Scheme 2023. Collection method: clinical testing. Allele origin: germline.

Center for Human Genetics, Inc
Classification: Uncertain significance for Connective tissue disorder. Last evaluated: 2016-11-01. Review status: criteria provided, single submitter. Criteria: ACMG Guidelines, 2015. Collection method: clinical testing. Allele origin: germline. Affected: yes.

PreventionGenetics, part of Exact Sciences
Classification: Uncertain significance for COL11A2-related condition. Last evaluated: 2024-05-06. Review status: no assertion criteria provided. Collection method: clinical testing. Allele origin: germline. Not counted in ClinVar's aggregate classification.
Comment: The COL11A2 c.4040C>T variant is predicted to result in the amino acid substitution p.Pro1347Leu. To our knowledge, this variant has not been reported in the literature. This variant is reported in 0.023% of alleles in individuals of Latino descent in gnomAD. At this time, the clinical significance of this variant is uncertain due to the absence of conclusive functional and genetic evidence.

NM_080680.3(COL11A2):c.4040C>T (p.Pro1347Leu)

Gene: COL11A2 (collagen type XI alpha 2 chain; minus strand). Cytogenetic location: 6p21.32.
Variant type: single nucleotide variant.
Coding change: c.4040C>T on transcript NM_080680.3 (MANE Select); coding-DNA position 4040, C replaced by T.
Protein change: p.Pro1347Leu; replaces proline 1347 with leucine.
Molecular consequence: missense variant.
Genome position (GRCh38, 1-based): chr6:33,167,508, G>A on the plus strand (C>T on the coding strand, the complement: COL11A2 is on the minus strand). VCF-style: chr6-33167508-G-A. GRCh37 (hg19) VCF-style: chr6-33135285-G-A.
Other names: c.3719C>T, p.Pro1240Leu (NM_080679.3); c.3782C>T, p.Pro1261Leu (NM_080681.3); short protein forms P1347L, P1261L, P1240L.
Identifiers: ClinVar variation 547222 (VCV000547222.15), dbSNP rs142890313, ClinGen allele CA3750244.